The following is an entry in ClinVar:

NM_002386.4(MC1R):c.230T>C (p.Ile77Thr)

Gene: MC1R (melanocortin 1 receptor; plus strand). Cytogenetic location: 16q24.3.
Variant type: single nucleotide variant.
Coding change: c.230T>C on transcript NM_002386.4 (MANE Select); coding-DNA position 230, T replaced by C.
Protein change: p.Ile77Thr; replaces isoleucine 77 with threonine.
Molecular consequence: missense variant.
Genome position (GRCh38, 1-based): chr16:89,919,488, T>C. VCF-style: chr16-89919488-T-C. GRCh37 (hg19) VCF-style: chr16-89985896-T-C.
Other names: short protein forms I77T.
Identifiers: ClinVar variation 4550284 (VCV004550284.1).
Genomic context (GRCh38, chr16:89,919,488, plus strand): 5'-CGCTGGTGGTGGCCACCATCGCCAAGAACCGGAACCTGCACTCACCCATGTACTGCTTCA[T>C]CTGCTGCCTGGCCTTGTCGGACCTGCTGGTGAGCGGGAGCAACGTGCTGGAGACGGCCGT-3'
Protein context (NP_002377.4, residues 67-87): RNLHSPMYCF[Ile77Thr]CCLALSDLLV

ClinVar aggregate classification (germline): Uncertain significance (1 of 4 stars; one submission).

gnomAD v4.1: 4 of 1,613,314 alleles (0.00025%); highest among the groups gnomAD compares: South Asian, 0.0033%; no homozygotes.

Submission:

Ambry Genetics
Classification: Uncertain significance. Last evaluated: 2025-09-19. Review status: criteria provided, single submitter. Criteria: Ambry Variant Classification Scheme 2023. Collection method: clinical testing. Allele origin: germline.
Comment: The p.I77T variant (also known as c.230T>C), located in coding exon 1 of the MC1R gene, results from a T to C substitution at nucleotide position 230. The isoleucine at codon 77 is replaced by threonine, an amino acid with similar properties. This amino acid position is conserved. In addition, the in silico prediction for this alteration is inconclusive. Based on the available evidence, the clinical significance of this variant remains unclear.